The following is an entry in ClinVar:

ClinVar aggregate classification (germline): Likely benign (1 of 4 stars; one submission).

Conditions:
PKD1-related disorder. Also called: PKD1-related condition.

gnomAD v4.1: 75 of 1,610,278 alleles (0.0047%); highest among the groups gnomAD compares: African/African-American, 0.06%; 1 homozygote.

Submission:

PreventionGenetics, part of Exact Sciences
Classification: Likely benign for PKD1-related condition. Last evaluated: 2026-03-24. Review status: criteria provided, single submitter. Criteria: ACMG Guidelines, 2015. Collection method: clinical testing. Allele origin: germline.
Comment: This variant is classified as likely benign based on ACMG/AMP sequence variant interpretation guidelines (Richards et al. 2015 PMID: 25741868, with internal and published modifications).

NM_001009944.3(PKD1):c.11498G>A (p.Arg3833Gln)

Genes: PKD1 (polycystin 1, transient receptor potential channel interacting; minus strand), PKD1-AS1 (PKD1 antisense RNA 1; plus strand). Cytogenetic location: 16p13.3.
Variant type: single nucleotide variant.
Coding change: c.11498G>A on transcript NM_001009944.3 (MANE Select); coding-DNA position 11498, G replaced by A.
Protein change: p.Arg3833Gln; replaces arginine 3833 with glutamine.
Molecular consequence: missense variant.
Genome position (GRCh38, 1-based): chr16:2,091,820, C>T on the plus strand (G>A on the coding strand, the complement: PKD1 is on the minus strand). VCF-style: chr16-2091820-C-T. GRCh37 (hg19) VCF-style: chr16-2141821-C-T.
Other names: c.11495G>A, p.Arg3832Gln (NM_000296.4); short protein forms R3832Q, R3833Q.
Identifiers: ClinVar variation 4981213 (VCV004981213.1).